The following is an entry in ClinVar:

NM_002439.5(MSH3):c.587C>A (p.Thr196Lys)

Gene: MSH3 (mutS homolog 3; plus strand). Cytogenetic location: 5q14.1.
Variant type: single nucleotide variant.
Coding change: c.587C>A on transcript NM_002439.5 (MANE Select); coding-DNA position 587, C replaced by A.
Protein change: p.Thr196Lys; replaces threonine 196 with lysine.
Molecular consequence: missense variant.
Genome position (GRCh38, 1-based): chr5:80,670,104, C>A. VCF-style: chr5-80670104-C-A. GRCh37 (hg19) VCF-style: chr5-79965923-C-A.
Other names: c.587C>A (NM_002439.3, NM_002439.4); short protein forms T196K.
Identifiers: ClinVar variation 2757120 (VCV002757120.5), dbSNP rs774402842, ClinGen allele CA360265877.
Genomic context (GRCh38, chr5:80,670,104, plus strand): 5'-ACTTATTATTGTGGTTAATATTTTTAAAACTTTATACATCTTTTGGTTGCCAGGACACAA[C>A]ACTTTTTGATCTCAGTCAGTTTGGATCATCAAATACAAGTCATGAAAATTTACAGAAAAC-3'
Protein context (NP_002430.3, residues 186-206): SKRQINQKDT[Thr196Lys]LFDLSQFGSS

ClinVar aggregate classification (germline): Uncertain significance. Review status: criteria provided, multiple submitters, no conflicts (2 of 4 stars). 3 submissions from 3 submitters: Uncertain significance (3). Last evaluated 2026-07-06.

Conditions:
Hereditary cancer-predisposing syndrome. Also called: Hereditary Cancer Syndrome; Hereditary neoplastic syndrome; Neoplastic Syndromes, Hereditary; Tumor predisposition. Identifiers: Orphanet 140162, MedGen C0027672, MeSH D009386, MONDO:0015356.

gnomAD v4.1: 5 of 1,614,048 alleles (0.00031%); highest among the groups gnomAD compares: Non-Finnish European, 0.00042%; no homozygotes.

Submissions (3):

Ambry Genetics
Classification: Uncertain significance for Hereditary cancer-predisposing syndrome. Last evaluated: 2026-07-06. Review status: criteria provided, single submitter. Criteria: Ambry Variant Classification Scheme 2023. Collection method: clinical testing. Allele origin: germline.
Comment: The p.T196K variant (also known as c.587C>A), located in coding exon 4 of the MSH3 gene, results from a C to A substitution at nucleotide position 587. The threonine at codon 196 is replaced by lysine, an amino acid with similar properties. This amino acid position is conserved. In addition, this alteration is predicted to be tolerated by in silico analysis. Based on the available evidence, the clinical significance of this variant remains unclear.

Labcorp Genetics (formerly Invitae), Labcorp
Classification: Uncertain significance. Last evaluated: 2025-11-17. Review status: criteria provided, single submitter. Criteria: Invitae Variant Classification Sherloc (09022015). Collection method: clinical testing. Allele origin: germline.
Comment: This sequence change replaces threonine, which is neutral and polar, with lysine, which is basic and polar, at codon 196 of the MSH3 protein (p.Thr196Lys). This variant is not present in population databases (gnomAD no frequency). This variant has not been reported in the literature in individuals affected with MSH3-related conditions. ClinVar contains an entry for this variant (Variation ID: 2757120). An algorithm developed to predict the effect of missense changes on protein structure and function (PolyPhen-2) suggests that this variant is likely to be tolerated. In summary, the available evidence is currently insufficient to determine the role of this variant in disease. Therefore, it has been classified as a Variant of Uncertain Significance.

Quest Diagnostics Nichols Institute San Juan Capistrano
Classification: Uncertain significance. Last evaluated: 2023-10-16. Review status: criteria provided, single submitter. Criteria: Quest Diagnostics criteria. Collection method: clinical testing. Allele origin: unknown.
Comment: The MSH3 c.587C>A (p.Thr196Lys) variant has not been reported in individuals with MSH3-related conditions in the published literature. It also has not been reported in large, multi-ethnic general populations (Genome Aggregation Database). Analysis of this variant using bioinformatics tools for the prediction of the effect of amino acid changes on protein structure and function yielded predictions that this variant is benign. Based on the available information, we are unable to determine the clinical significance of this variant.